The following is an entry in ClinVar:

ClinVar aggregate classification (germline): Likely pathogenic (1 of 4 stars; one submission).

Conditions:
Retinitis pigmentosa 26 (RP26). Identifiers: Orphanet 791, MedGen C1842127, MONDO:0012024, OMIM 608380.

Submission:

Natera, Inc.
Classification: Likely pathogenic for Retinitis Pigmentosa 26. Last evaluated: 2025-01-27. Review status: criteria provided, single submitter. Criteria: Natera Variant Classification Schema (03/2026). Collection method: clinical testing. Allele origin: germline.
Comment: The c.677+2del variant in CERKL is a canonical splice donor site variant predicted to affect pre-mRNA splicing, which may result in an abnormal transcript and altered protein product. This variant is expected to result in nonsense mediated decay, truncation, or a dysfunctional protein product. This variant is rare in the general population with a frequency below the threshold expected for the associated phenotype(s). Given the available evidence, this variant is classified as Likely Pathogenic.

NM_201548.5(CERKL):c.677+2del

Gene: CERKL (CERK like autophagy regulator; minus strand). Cytogenetic location: 2q31.3.
Variant type: Deletion.
Coding change: c.677+2del on transcript NM_201548.5 (MANE Select); the canonical splice donor site of the intron after coding-DNA position 677, one base deleted (T; older notation c.677+2delT).
Molecular consequence: splice donor variant. On other transcripts: intron variant (2).
Genome position (GRCh38, 1-based): chr2:181,566,056, A deleted on the plus strand (T on the coding strand, the reverse complement: CERKL is on the minus strand). VCF-style (leftmost placement, unchanged base first): chr2-181566055-TA-T. GRCh37 (hg19) VCF-style: chr2-182430782-TA-T.
Other names: c.482-16348del (NM_001030312.3); c.545+2del (NM_001160277.2); c.613+7697del (NM_001030313.3); c.677+2del (NM_001030311.3).
Identifiers: ClinVar variation 4064398 (VCV004064398.2).